The following is an entry in ClinVar:

ClinVar aggregate classification (germline): Conflicting classifications of pathogenicity. Review status: criteria provided, conflicting classifications (1 of 4 stars). 5 submissions from 5 submitters: Uncertain significance (1); Benign (1); Likely benign (2). 1 of the submissions does not count toward it. Last evaluated 2025-10-13.

Conditions:
Fanconi anemia complementation group P. Also called: SLX4-Related Fanconi Anemia. Identifiers: Orphanet 84, MedGen C3469542, MONDO:0013499, OMIM 613951.
Fanconi anemia (FA). Also called: Fanconi's anemia. Identifiers: Orphanet 84, MedGen C0015625, MeSH D005199, MONDO:0019391.

Allele frequency attached by ClinVar (database versions not stated): ESP Exome Variant Server 0.00008; TOPMed 0.00013; 1000 Genomes Project 30x 0.00016; 1000 Genomes Project 0.00020; gnomAD exomes 0.00069 and 0.00176; ExAC 0.00129; gnomAD 0.00130 and 0.00141.

Submissions (5):

Labcorp Genetics (formerly Invitae), Labcorp
Classification: Benign for Fanconi anemia. Last evaluated: 2025-10-13. Review status: criteria provided, single submitter. Criteria: Invitae Variant Classification Sherloc (09022015). Collection method: clinical testing. Allele origin: germline.

Blueprint Genetics
Classification: Likely benign. Last evaluated: 2024-11-25. Review status: criteria provided, single submitter. Criteria: ACMG Guidelines, 2015. Collection method: clinical testing. Allele origin: germline.

Illumina Laboratory Services, Illumina
Classification: Uncertain significance for Fanconi anemia complementation group P. Last evaluated: 2018-01-13. Review status: criteria provided, single submitter. Criteria: ICSL Variant Classification Criteria 13 December 2019. Collection method: clinical testing. Allele origin: germline.

Genetic Services Laboratory, University of Chicago
Classification: Likely benign. Last evaluated: 2016-05-06. Review status: criteria provided, single submitter. Criteria: ACMG Guidelines, 2015. Collection method: clinical testing. Allele origin: germline. Affected: no.

Leiden Open Variation Database
Classification: Likely benign. Last evaluated: 2012-08-31. Review status: no assertion criteria provided. Collection method: curation. Allele origin: germline. Affected: yes. Not counted in ClinVar's aggregate classification.
Comment: Curator: Arleen D. Auerbach. Submitter to LOVD: Janine Bakker.

Literature cited by the submitters: PubMed 22911665 (cited by Leiden Open Variation Database).

NM_032444.4(SLX4):c.4024A>G (p.Ser1342Gly)

Gene: SLX4 (SLX4 structure-specific endonuclease subunit; minus strand). Cytogenetic location: 16p13.3.
Variant type: single nucleotide variant.
Coding change: c.4024A>G on transcript NM_032444.4 (MANE Select); coding-DNA position 4024, A replaced by G.
Protein change: p.Ser1342Gly; replaces serine 1342 with glycine.
Molecular consequence: missense variant.
Genome position (GRCh38, 1-based): chr16:3,589,614, T>C on the plus strand (A>G on the coding strand, the complement: SLX4 is on the minus strand). VCF-style: chr16-3589614-T-C. GRCh37 (hg19) VCF-style: chr16-3639615-T-C.
Other names: c.4024A>G (LRG_503t1); short protein forms S1342G.
Identifiers: ClinVar variation 436779 (VCV000436779.20), dbSNP rs140051968, ClinGen allele CA7865760.